The following is an entry in ClinVar:

ClinVar aggregate classification (germline): Uncertain significance. Review status: criteria provided, multiple submitters, no conflicts (2 of 4 stars). 2 submissions from 2 submitters: Uncertain significance (2). Last evaluated 2025-08-28.

Conditions:
Inborn genetic diseases. Identifiers: MedGen C0950123, MeSH D030342.
DOCK2 deficiency. Also called: Immunodeficiency 40. Identifiers: Orphanet 447737, MedGen C4225328, MONDO:0014637, OMIM 616433.

Allele frequency attached by ClinVar (database versions not stated): gnomAD exomes below 0.00001; ExAC 0.00001; gnomAD 0.00001; 1000 Genomes Project 30x 0.00016; 1000 Genomes Project 0.00020.
gnomAD v4.1: 6 of 1,613,960 alleles (0.00037%); highest among the groups gnomAD compares: African/African-American, 0.0013%; no homozygotes.

Submissions (2):

Ambry Genetics
Classification: Uncertain significance for Inborn genetic diseases. Last evaluated: 2025-08-28. Review status: criteria provided, single submitter. Criteria: Ambry Variant Classification Scheme 2023. Collection method: clinical testing. Allele origin: germline.

Labcorp Genetics (formerly Invitae), Labcorp
Classification: Uncertain significance for Immunodeficiency 40. Last evaluated: 2018-08-11. Review status: criteria provided, single submitter. Criteria: Invitae Variant Classification Sherloc (09022015). Collection method: clinical testing. Allele origin: germline.
Comment: This sequence change replaces serine with threonine at codon 1354 of the DOCK2 protein (p.Ser1354Thr). The serine residue is weakly conserved and there is a small physicochemical difference between serine and threonine. The frequency data for this variant in the population databases is considered unreliable, as metrics indicate poor data quality at this position in the ExAC database. This variant has not been reported in the literature in individuals with DOCK2-related disease. Algorithms developed to predict the effect of missense changes on protein structure and function output the following: SIFT: "Tolerated"; PolyPhen-2: "Benign"; Align-GVGD: "Class C0". The threonine amino acid residue is found in multiple mammalian species, suggesting that this missense change does not adversely affect protein function. These predictions have not been confirmed by published functional studies and their clinical significance is uncertain. In summary, the available evidence is currently insufficient to determine the role of this variant in disease. Therefore, it has been classified as a Variant of Uncertain Significance.

NM_004946.3(DOCK2):c.4060T>A (p.Ser1354Thr)

Gene: DOCK2 (dedicator of cytokinesis 2; plus strand). Cytogenetic location: 5q35.1.
Variant type: single nucleotide variant.
Coding change: c.4060T>A on transcript NM_004946.3 (MANE Select); coding-DNA position 4060, T replaced by A.
Protein change: p.Ser1354Thr; replaces serine 1354 with threonine.
Molecular consequence: missense variant. On other transcripts: non-coding transcript variant (1).
Genome position (GRCh38, 1-based): chr5:170,047,603, T>A. VCF-style: chr5-170047603-T-A. GRCh37 (hg19) VCF-style: chr5-169474607-T-A.
Other names: c.4060T>A, p.Ser1354Thr (LRG_1227t1); short protein forms S1354T.
Identifiers: ClinVar variation 665618 (VCV000665618.2), dbSNP rs550928168, ClinGen allele CA3554410.